The following is an entry in ClinVar:

ClinVar aggregate classification (germline): Uncertain significance (1 of 4 stars; one submission).

Conditions:
Dystonia 12 (DYT12). Also called: Rapid-Onset Dystonia-Parkinsonism (RDP); DYT-ATP1A3. Identifiers: Orphanet 71517, MedGen C1868681, MONDO:0007496, OMIM 128235.

Allele frequency attached by ClinVar (database versions not stated): gnomAD exomes below 0.00001; TOPMed below 0.00001; gnomAD 0.00001.
gnomAD v4.1: 7 of 1,613,198 alleles (0.00043%); highest among the groups gnomAD compares: East Asian, 0.0045%; no homozygotes.

Submission:

Labcorp Genetics (formerly Invitae), Labcorp
Classification: Uncertain significance for Dystonia 12. Last evaluated: 2021-10-20. Review status: criteria provided, single submitter. Criteria: Invitae Variant Classification Sherloc (09022015). Collection method: clinical testing. Allele origin: germline.
Comment: In summary, the available evidence is currently insufficient to determine the role of this variant in disease. Therefore, it has been classified as a Variant of Uncertain Significance. Advanced modeling of protein sequence and biophysical properties (such as structural, functional, and spatial information, amino acid conservation, physicochemical variation, residue mobility, and thermodynamic stability) performed at Invitae indicates that this missense variant is not expected to disrupt ATP1A3 protein function. This variant has not been reported in the literature in individuals affected with ATP1A3-related conditions. This variant is not present in population databases (ExAC no frequency). This sequence change replaces arginine with histidine at codon 254 of the ATP1A3 protein (p.Arg254His). The arginine residue is moderately conserved and there is a small physicochemical difference between arginine and histidine.

NM_152296.5(ATP1A3):c.761G>A (p.Arg254His)

Gene: ATP1A3 (ATPase Na+/K+ transporting subunit alpha 3; minus strand). Cytogenetic location: 19q13.2.
Variant type: single nucleotide variant.
Coding change: c.761G>A on transcript NM_152296.5 (MANE Select); coding-DNA position 761, G replaced by A.
Protein change: p.Arg254His; replaces arginine 254 with histidine.
Molecular consequence: missense variant.
Genome position (GRCh38, 1-based): chr19:41,985,150, C>T on the plus strand (G>A on the coding strand, the complement: ATP1A3 is on the minus strand). VCF-style: chr19-41985150-C-T. GRCh37 (hg19) VCF-style: chr19-42489302-C-T.
Other names: c.794G>A, p.Arg265His (NM_001256213.2); c.800G>A, p.Arg267His (NM_001256214.2); short protein forms R254H, R265H, R267H.
Identifiers: ClinVar variation 1519507 (VCV001519507.6), dbSNP rs1315342682, ClinGen allele CA406053219.